The following is an entry in ClinVar:

ClinVar aggregate classification (germline): Benign/Likely benign. Review status: criteria provided, multiple submitters, no conflicts (2 of 4 stars). 2 submissions from 2 submitters: Benign (1); Likely benign (1). Last evaluated 2026-02-01.

Allele frequency attached by ClinVar (database versions not stated): ExAC 0.00114; gnomAD 0.00338; TOPMed 0.00363; 1000 Genomes Project 0.00379; 1000 Genomes Project 30x 0.00437; ESP Exome Variant Server 0.00446.
gnomAD v4.1: 996 of 1,613,824 alleles (0.062%); highest among the groups gnomAD compares: African/African-American, 1.2%; 5 homozygotes.

Submissions (2):

CeGaT Center for Human Genetics Tuebingen
Classification: Likely benign. Last evaluated: 2026-02-01. Review status: criteria provided, single submitter. Criteria: CeGaT Center For Human Genetics Tuebingen Variant Classification Criteria Version 2. Collection method: clinical testing. Allele origin: germline. Affected: yes. Observed: 2 variant alleles.
Comment: TRMT1: BP4

Labcorp Genetics (formerly Invitae), Labcorp
Classification: Benign. Last evaluated: 2019-12-31. Review status: criteria provided, single submitter. Criteria: Invitae Variant Classification Sherloc (09022015). Collection method: clinical testing. Allele origin: germline.

NM_001136035.4(TRMT1):c.1177-8G>A

Gene: TRMT1 (tRNA methyltransferase 1; minus strand). Cytogenetic location: 19p13.13.
Variant type: single nucleotide variant.
Coding change: c.1177-8G>A on transcript NM_001136035.4 (MANE Select); 8 bases into the intron before coding-DNA position 1177, G replaced by A.
Molecular consequence: intron variant.
Genome position (GRCh38, 1-based): chr19:13,109,692, C>T on the plus strand (G>A on the coding strand, the complement: TRMT1 is on the minus strand). VCF-style: chr19-13109692-C-T. GRCh37 (hg19) VCF-style: chr19-13220506-C-T.
Other names: c.1069-8G>A (NM_001351761.2); c.1090-8G>A (NM_001351760.2, NM_001142554.3); c.394-8G>A (NM_001351762.2); c.1177-8G>A (NM_017722.5).
Identifiers: ClinVar variation 729208 (VCV000729208.24), dbSNP rs77560275, ClinGen allele CA9237732.
Genomic context (GRCh38, chr19:13,109,692, plus strand): 5'-CGGCCCACAAAATCCAGGTCATGGATGGGCTCTGCCCACATGGGGCCACCAAGCTGGGGG[C>T]GCACCGGGGACAGGTGAGCAGGGACTATGACCTTCAAGACCCTCTTGCTCCTTTGCCTCC-3'